The following is an entry in ClinVar:

NM_000443.4(ABCB4):c.1855AAG[1] (p.Lys620del)

Gene: ABCB4 (ATP binding cassette subfamily B member 4; minus strand). Cytogenetic location: 7q21.12.
Variant type: Microsatellite.
Coding change: c.1855AAG[1] on transcript NM_000443.4 (MANE Select); one copy of the 3-base unit AAG starting at c.1855; the reference has two copies in a row; one copy, 3 bases deleted; also written c.1858_1860del.
Protein change: p.Lys620del; deletes lysine 620.
Molecular consequence: inframe deletion.
Genome position (GRCh38, 1-based): chr7:87,431,437-87,431,439, CTT deleted on the plus strand (AAG on the coding strand, the reverse complement: ABCB4 is on the minus strand); deleting any 3 consecutive bases within chr7:87,431,437-87,431,443 gives the same sequence; the position shown is the placement nearest the transcript's 3' end. VCF-style (leftmost placement, unchanged base first): chr7-87431436-CCTT-C. GRCh37 (hg19) VCF-style: chr7-87060752-CCTT-C.
Other names: p.Lys620del; c.1858_1860delAAG (NM_000443.3); c.1855AAG[1], p.Lys620del (NM_018849.3, NM_018850.3); c.1858_1860del (NM_000443.4); short protein forms K620del.
Identifiers: ClinVar variation 289125 (VCV000289125.10), dbSNP rs774102354, ClinGen allele CA4327194.

ClinVar aggregate classification (germline): Uncertain significance. Review status: criteria provided, multiple submitters, no conflicts (2 of 4 stars). 5 submissions from 5 submitters: Uncertain significance (5). Last evaluated 2026-04-14.

Conditions:
Familial intrahepatic cholestasis. Identifiers: Orphanet 284385, MedGen CN296401, MONDO:0017290.
ABCB4-related disorder. Also called: ABCB4-related disorders; ABCB4-related condition.

Submissions (5):

Genomenon, Inc
Classification: Uncertain significance for Familial intrahepatic cholestasis. Last evaluated: 2026-04-14. Review status: criteria provided, single submitter. Criteria: Genomenon Sequence Variant Interpretation Standards - Updated. Collection method: curation. Allele origin: germline. Affected: yes.
Comment: ABCB4 p.Lys620del (c.1858_1860del) is an in-frame deletion variant that results in the deletion of a single amino acid, Lysine at residue 620. This variant has been observed in at least one proband with an ABCB4-related disorder (PMID:34828443). It is absent or not present at a significant frequency in gnomAD. In conclusion, we classify ABCB4 p.Lys620del (c.1858_1860del) as a variant of uncertain significance.

PreventionGenetics, part of Exact Sciences
Classification: Uncertain significance for ABCB4-related condition. Last evaluated: 2025-08-23. Review status: criteria provided, single submitter. Criteria: ACMG Guidelines, 2015. Collection method: clinical testing. Allele origin: germline.
Comment: The ABCB4 c.1858_1860delAAG variant is predicted to result in an in-frame deletion (p.Lys620del). This variant has been reported in the homozygous state in an individual with progressive familial intrahepatic cholestasis (PFIC) type 3 (Jeyaraj et al. 2021. PubMed ID: 34828443). This variant has also been reported in the heterozygous state in an individual with a personal and family history of cholelithiasis (Hegarty et al. 2024. PubMed ID: 38374565). At PreventionGenetics, we have detected this variant in individuals presenting with cholestasis and in one individual with intrahepatic cholestasis of pregnancy (Internal data). This variant is reported in 0.0040% of alleles in individuals of African descent in gnomAD. Although we suspect that this variant may be pathogenic, at this time, the clinical significance of this variant is uncertain due to the absence of conclusive functional and genetic evidence.

Mayo Clinic Laboratories, Mayo Clinic
Classification: Uncertain significance. Last evaluated: 2024-12-19. Review status: criteria provided, single submitter. Criteria: ACMG Guidelines, 2015. Collection method: clinical testing. Allele origin: germline. Observed: 1 variant allele.
Comment: PM2_supporting, PM4

Labcorp Genetics (formerly Invitae), Labcorp
Classification: Uncertain significance. Last evaluated: 2024-02-14. Review status: criteria provided, single submitter. Criteria: Invitae Variant Classification Sherloc (09022015). Collection method: clinical testing. Allele origin: germline.
Comment: This variant, c.1858_1860del, results in the deletion of 1 amino acid(s) of the ABCB4 protein (p.Lys620del), but otherwise preserves the integrity of the reading frame. This variant is present in population databases (rs774102354, gnomAD 0.004%). This variant has not been reported in the literature in individuals affected with ABCB4-related conditions. Experimental studies and prediction algorithms are not available or were not evaluated, and the functional significance of this variant is currently unknown. In summary, the available evidence is currently insufficient to determine the role of this variant in disease. Therefore, it has been classified as a Variant of Uncertain Significance.

Eurofins Ntd Llc (ga)
Classification: Uncertain significance. Last evaluated: 2017-08-23. Review status: criteria provided, single submitter. Criteria: EGL Classification Definitions 2015. Collection method: clinical testing. Allele origin: germline. Observed: 2 variant alleles, 2 heterozygotes.

Literature cited by the submitters: PubMed 34828443 (cited by Genomenon, Inc and Mayo Clinic Laboratories, Mayo Clinic); PubMed 38374565 (cited by Mayo Clinic Laboratories, Mayo Clinic).